The following is an entry in ClinVar:

ClinVar aggregate classification (germline): Uncertain significance. Review status: criteria provided, multiple submitters, no conflicts (2 of 4 stars). 3 submissions from 3 submitters: Uncertain significance (3). Last evaluated 2025-06-23.

Conditions:
Inborn genetic diseases. Identifiers: MedGen C0950123, MeSH D030342.

Allele frequency attached by ClinVar (database versions not stated): ExAC 0.00003; gnomAD exomes 0.00001.

Submissions (3):

GeneDx
Classification: Uncertain significance. Last evaluated: 2025-06-23. Review status: criteria provided, single submitter. Criteria: GeneDx Variant Classification Process June 2021. Collection method: clinical testing. Allele origin: germline. Affected: yes.
Comment: Not observed at significant frequency in large population cohorts (gnomAD); In silico analysis suggests that this missense variant does not alter protein structure/function; Has not been previously published as pathogenic or benign to our knowledge

Ambry Genetics
Classification: Uncertain significance for Inborn genetic diseases. Last evaluated: 2024-04-06. Review status: criteria provided, single submitter. Criteria: Ambry Variant Classification Scheme 2023. Collection method: clinical testing. Allele origin: germline.

Revvity Omics, Revvity
Classification: Uncertain significance. Last evaluated: 2019-05-06. Review status: criteria provided, single submitter. Criteria: ACMG Guidelines, 2015. Collection method: clinical testing. Allele origin: germline.

NM_015602.4(TOR1AIP1):c.666A>T (p.Glu222Asp)

Gene: TOR1AIP1 (torsin 1A interacting protein 1; plus strand). Cytogenetic location: 1q25.2.
Variant type: single nucleotide variant.
Coding change: c.666A>T on transcript NM_015602.4 (MANE Select); coding-DNA position 666, A replaced by T.
Protein change: p.Glu222Asp; replaces glutamic acid 222 with aspartic acid.
Molecular consequence: missense variant.
Genome position (GRCh38, 1-based): chr1:179,901,315, A>T. VCF-style: chr1-179901315-A-T. GRCh37 (hg19) VCF-style: chr1-179870450-A-T.
Other names: c.669A>T, p.Glu223Asp (NM_001267578.2); c.666A>T (NM_015602.2); short protein forms E222D, E223D.
Identifiers: ClinVar variation 2437182 (VCV002437182.5), dbSNP rs756494668, ClinGen allele CA1268913.